The following is an entry in ClinVar:

ClinVar aggregate classification (germline): Uncertain significance (1 of 4 stars; one submission).

Submission:

Labcorp Genetics (formerly Invitae), Labcorp
Classification: Uncertain significance. Last evaluated: 2023-01-20. Review status: criteria provided, single submitter. Criteria: Invitae Variant Classification Sherloc (09022015). Collection method: clinical testing. Allele origin: germline.
Comment: This variant is not present in population databases (gnomAD no frequency). In summary, the available evidence is currently insufficient to determine the role of this variant in disease. Therefore, it has been classified as a Variant of Uncertain Significance. An algorithm developed to predict the effect of missense changes on protein structure and function (PolyPhen-2) suggests that this variant is likely to be disruptive. This variant has not been reported in the literature in individuals affected with NTHL1-related conditions. This sequence change replaces valine, which is neutral and non-polar, with leucine, which is neutral and non-polar, at codon 283 of the NTHL1 protein (p.Val283Leu).

NM_002528.7(NTHL1):c.823G>C (p.Val275Leu)

Gene: NTHL1 (nth like DNA glycosylase 1; minus strand). Cytogenetic location: 16p13.3.
Variant type: single nucleotide variant.
Coding change: c.823G>C on transcript NM_002528.7 (MANE Select); coding-DNA position 823, G replaced by C.
Protein change: p.Val275Leu; replaces valine 275 with leucine.
Molecular consequence: missense variant.
Genome position (GRCh38, 1-based): chr16:2,040,016, C>G on the plus strand (G>C on the coding strand, the complement: NTHL1 is on the minus strand). VCF-style: chr16-2040016-C-G. GRCh37 (hg19) VCF-style: chr16-2090017-C-G.
Other names: c.652G>C, p.Val218Leu (NM_001318193.2); c.493G>C, p.Val165Leu (NM_001318194.2); short protein forms V165L, V218L, V275L.
Identifiers: ClinVar variation 2830389 (VCV002830389.3), dbSNP rs759411504, ClinGen allele CA394287418.